The following is an entry in ClinVar:

NM_003072.5(SMARCA4):c.4767A>T (p.Glu1589Asp)

Gene: SMARCA4 (SWI/SNF related BAF chromatin remodeling complex subunit ATPase 4; plus strand). Cytogenetic location: 19p13.2.
Variant type: single nucleotide variant.
Coding change: c.4767A>T on transcript NM_003072.5 (MANE Select); coding-DNA position 4767, A replaced by T.
Protein change: p.Glu1589Asp; replaces glutamic acid 1589 with aspartic acid.
Molecular consequence: missense variant. On other transcripts: non-coding transcript variant (1).
Genome position (GRCh38, 1-based): chr19:11,059,884, A>T. VCF-style: chr19-11059884-A-T. GRCh37 (hg19) VCF-style: chr19-11170560-A-T.
Other names: c.4767A>T, p.Glu1589Asp (NM_001128844.3); c.4677A>T, p.Glu1559Asp (NM_001128845.2); c.4674A>T, p.Glu1558Asp (NM_001128846.2); c.4668A>T, p.Glu1556Asp (NM_001128847.4, NM_001374457.1); c.4665A>T, p.Glu1555Asp (NM_001128848.2); c.4863A>T, p.Glu1621Asp (NM_001128849.3, NM_001387283.1); c.4764A>T, p.Glu1588Asp (NM_001411150.1); short protein forms E1588D, E1559D, E1589D, E1621D, E1555D, E1556D, E1558D.
Identifiers: ClinVar variation 1743655 (VCV001743655.3), dbSNP rs2147116694, ClinGen allele CA404079946.

ClinVar aggregate classification (germline): Uncertain significance (1 of 4 stars; one submission).

Conditions:
Hereditary cancer-predisposing syndrome. Also called: Hereditary Cancer Syndrome; Neoplastic Syndromes, Hereditary; Tumor predisposition; Hereditary neoplastic syndrome. Identifiers: Orphanet 140162, MedGen C0027672, MeSH D009386, MONDO:0015356.

gnomAD v4.1: 4 of 1,613,866 alleles (0.00025%); highest among the groups gnomAD compares: Non-Finnish European, 0.00034%; no homozygotes.

Submission:

Ambry Genetics
Classification: Uncertain significance for Hereditary cancer-predisposing syndrome. Last evaluated: 2024-08-13. Review status: criteria provided, single submitter. Criteria: Ambry Variant Classification Scheme 2023. Collection method: clinical testing. Allele origin: germline.
Comment: The p.E1621D variant (also known as c.4863A>T), located in coding exon 33 of the SMARCA4 gene, results from an A to T substitution at nucleotide position 4863. The glutamic acid at codon 1621 is replaced by aspartic acid, an amino acid with highly similar properties. This amino acid position is highly conserved in available vertebrate species. In addition, this alteration is predicted to be tolerated by in silico analysis. Based on the available evidence, the clinical significance of this variant remains unclear.